The following is an entry in ClinVar:

ClinVar aggregate classification (germline): Benign/Likely benign. Review status: criteria provided, multiple submitters, no conflicts (2 of 4 stars). 3 submissions from 3 submitters: Benign (1); Likely benign (2). Last evaluated 2026-04-12.

Conditions:
Hereditary cancer-predisposing syndrome. Also called: Tumor predisposition; Hereditary neoplastic syndrome; Neoplastic Syndromes, Hereditary; Hereditary Cancer Syndrome. Identifiers: Orphanet 140162, MedGen C0027672, MeSH D009386, MONDO:0015356.
Familial adenomatous polyposis 1 (FAP1). Also called: POLYPOSIS, ADENOMATOUS INTESTINAL; FAMILIAL ADENOMATOUS POLYPOSIS 1, ATTENUATED. Identifiers: MedGen C2713442, MONDO:0021056, OMIM 175100. Disease mechanism: loss of function.

Allele frequency attached by ClinVar (database versions not stated): TOPMed 0.00001.

Submissions (3):

Ambry Genetics
Classification: Likely benign for Hereditary cancer-predisposing syndrome. Last evaluated: 2026-04-12. Review status: criteria provided, single submitter. Criteria: Ambry Variant Classification Scheme 2023. Collection method: clinical testing. Allele origin: germline.

Myriad Genetics, Inc.
Classification: Benign for Familial adenomatous polyposis 1. Last evaluated: 2024-04-15. Review status: criteria provided, single submitter. Criteria: Myriad Autosomal Dominant, Autosomal Recessive and X-Linked Classification Criteria (2023). Collection method: clinical testing. Allele origin: unknown.
Comment: This variant is considered benign. This variant is a silent/synonymous amino acid change and it is not expected to impact splicing.

Labcorp Genetics (formerly Invitae), Labcorp
Classification: Likely benign for Familial adenomatous polyposis 1. Last evaluated: 2017-03-21. Review status: criteria provided, single submitter. Criteria: Invitae Variant Classification Sherloc (09022015). Collection method: clinical testing. Allele origin: germline.

NM_000038.6(APC):c.8349T>G (p.Pro2783=)

Gene: APC (APC regulator of Wnt signaling pathway; plus strand). Cytogenetic location: 5q22.2.
Variant type: single nucleotide variant.
Coding change: c.8349T>G on transcript NM_000038.6 (MANE Select); coding-DNA position 8349, T replaced by G.
Protein change: p.Pro2783=; no amino-acid change (proline 2783 retained).
Molecular consequence: synonymous variant.
Genome position (GRCh38, 1-based): chr5:112,843,943, T>G. VCF-style: chr5-112843943-T-G. GRCh37 (hg19) VCF-style: chr5-112179640-T-G.
Other names: c.8349T>G, p.Pro2783= (NM_001127510.3, NM_001354895.2); c.8295T>G, p.Pro2765= (NM_001127511.3); c.8403T>G, p.Pro2801= (NM_001354896.2); c.8379T>G, p.Pro2793= (NM_001354897.2); c.8274T>G, p.Pro2758= (NM_001354898.2); c.8265T>G, p.Pro2755= (NM_001354899.2); c.8226T>G, p.Pro2742= (NM_001354900.2); c.8172T>G, p.Pro2724= (NM_001354901.2); and 5 more.
Identifiers: ClinVar variation 470140 (VCV000470140.12), dbSNP rs1468974374, ClinGen allele CA446211530.
Genomic context (GRCh38, chr5:112,843,943, plus strand): 5'-TTCTAGCAGCTCAAGCAAACACAGTTCACCTAGTGGGACTGTTGCTGCCAGAGTGACTCC[T>G]TTTAATTACAACCCAAGCCCTAGGAAAAGCAGCGCAGATAGCACTTCAGCTCGGCCATCT-3'
Protein context (NP_000029.2, residues 2773-2793): PSGTVAARVT[Pro2783=]FNYNPSPRKS